The following is an entry in ClinVar:

NM_000352.6(ABCC8):c.4515C>A (p.Asp1505Glu)

Gene: ABCC8 (ATP binding cassette subfamily C member 8; minus strand). Cytogenetic location: 11p15.1.
Variant type: single nucleotide variant.
Coding change: c.4515C>A on transcript NM_000352.6 (MANE Select); coding-DNA position 4515, C replaced by A.
Protein change: p.Asp1505Glu; replaces aspartic acid 1505 with glutamic acid.
Molecular consequence: missense variant. On other transcripts: non-coding transcript variant (1).
Genome position (GRCh38, 1-based): chr11:17,394,296, G>T on the plus strand (C>A on the coding strand, the complement: ABCC8 is on the minus strand). VCF-style: chr11-17394296-G-T. GRCh37 (hg19) VCF-style: chr11-17415843-G-T.
Other names: c.4518C>A, p.Asp1506Glu (NM_001287174.3); c.4581C>A, p.Asp1527Glu (NM_001351295.2); c.4515C>A, p.Asp1505Glu (NM_001351296.2); c.4512C>A, p.Asp1504Glu (NM_001351297.2); short protein forms D1527E, D1505E, D1506E, D1504E.
Identifiers: ClinVar variation 4709808 (VCV004709808.1).
Genomic context (GRCh38, chr11:17,394,296, plus strand): 5'-CATGGTCCCATGGAGGGGCCCAGGACCAACCGTGGCCATGTCAATGGAAGCCGTGGCCTC[G>T]TCCATGATGAAGATGCTGGTCTTCCTCACGAAGGCCCGGGCCAGGCAGAACAGCTGCCTC-3'
Protein context (NP_000343.2, residues 1495-1515): FVRKTSIFIM[Asp1505Glu]EATASIDMAT

ClinVar aggregate classification (germline): Pathogenic (1 of 4 stars; one submission).

Submission:

Labcorp Genetics (formerly Invitae), Labcorp
Classification: Pathogenic. Last evaluated: 2025-06-23. Review status: criteria provided, single submitter. Criteria: Invitae Variant Classification Sherloc (09022015). Collection method: clinical testing. Allele origin: germline.
Comment: This sequence change replaces aspartic acid, which is acidic and polar, with glutamic acid, which is acidic and polar, at codon 1505 of the ABCC8 protein (p.Asp1505Glu). This variant is not present in population databases (gnomAD no frequency). This missense change has been observed in individual(s) with autosomal dominant ABCC8-related conditions (PMID: 20573158, 20685672). In at least one individual the variant was observed to be de novo. Invitae Evidence Modeling of protein sequence and biophysical properties (such as structural, functional, and spatial information, amino acid conservation, physicochemical variation, residue mobility, and thermodynamic stability) indicates that this missense variant is expected to disrupt ABCC8 protein function with a positive predictive value of 80%. For these reasons, this variant has been classified as Pathogenic.

Literature cited by the submitters: PubMed 20573158; PubMed 20685672.